The following is an entry in ClinVar:

NM_004426.3(PHC1):c.345C>T (p.Ser115=)

Gene: PHC1 (polyhomeotic homolog 1; plus strand). Cytogenetic location: 12p13.31.
Variant type: single nucleotide variant.
Coding change: c.345C>T on transcript NM_004426.3 (MANE Select); coding-DNA position 345, C replaced by T.
Protein change: p.Ser115=; no amino-acid change (serine 115 retained).
Molecular consequence: synonymous variant. On other transcripts: non-coding transcript variant (1), intron variant (3).
Genome position (GRCh38, 1-based): chr12:8,921,639, C>T. VCF-style: chr12-8921639-C-T. GRCh37 (hg19) VCF-style: chr12-9074235-C-T.
Other names: c.345C>T, p.Ser115= (NM_001413748.1, NM_001413749.1, NM_001413750.1 and 10 more transcripts); c.306+574C>T (NM_001413753.1, NM_001413754.1, NM_001413743.1); c.234C>T, p.Ser78= (NM_001413741.1).
Identifiers: ClinVar variation 4874331 (VCV004874331.2).

ClinVar aggregate classification (germline): Likely benign (1 of 4 stars; one submission).

Submission:

CeGaT Center for Human Genetics Tuebingen
Classification: Likely benign. Last evaluated: 2026-06-01. Review status: criteria provided, single submitter. Criteria: CeGaT Center For Human Genetics Tuebingen Variant Classification Criteria Version 2. Collection method: clinical testing. Allele origin: germline. Affected: yes. Observed: 1 variant allele.
Comment: PHC1: PM2:Supporting, BP4, BP7